The following is an entry in ClinVar:

NM_005908.4(MANBA):c.2191G>A (p.Val731Met)

Gene: MANBA (mannosidase beta; minus strand). Cytogenetic location: 4q24.
Variant type: single nucleotide variant.
Coding change: c.2191G>A on transcript NM_005908.4 (MANE Select); coding-DNA position 2191, G replaced by A.
Protein change: p.Val731Met; replaces valine 731 with methionine.
Molecular consequence: missense variant.
Genome position (GRCh38, 1-based): chr4:102,635,012, C>T on the plus strand (G>A on the coding strand, the complement: MANBA is on the minus strand). VCF-style: chr4-102635012-C-T. GRCh37 (hg19) VCF-style: chr4-103556169-C-T.
Other names: short protein forms V731M.
Identifiers: ClinVar variation 779672 (VCV000779672.39), dbSNP rs150554352, ClinGen allele CA3026674.
Genomic context (GRCh38, chr4:102,635,012, plus strand): 5'-CATAAAGGCAGACAGCCTCTCCTCCTTTCATCACAAAACGTTCAGTCACACGAGAGCACA[C>T]GGGCTCCAGGGAGCTCCATGTATGGACTCTCACCTGGGGAGAAATAAAACAGAATAAAAA-3'
Protein context (NP_005899.3, residues 721-741): RVHTWSSLEP[Val731Met]CSRVTERFVM

ClinVar aggregate classification (germline): Conflicting classifications of pathogenicity. Review status: criteria provided, conflicting classifications (1 of 4 stars). 5 submissions from 5 submitters: Uncertain significance (1); Benign (2); Likely benign (1). 1 of the submissions does not count toward it. Last evaluated 2026-01-25.

Conditions:
MANBA-related disorder. Also called: MANBA-related condition.
Beta-D-mannosidosis (MANSB). Also called: LYSOSOMAL BETA-MANNOSIDASE DEFICIENCY; Beta-Mannosidosis; BETA-MANNOSIDASE DEFICIENCY; MANNOSIDOSIS, BETA A, LYSOSOMAL. Identifiers: Orphanet 118, MedGen C4048196, MONDO:0009562, OMIM 248510.

Allele frequency attached by ClinVar (database versions not stated): ESP Exome Variant Server 0.00031; TOPMed 0.00041; 1000 Genomes Project 30x 0.00047; 1000 Genomes Project 0.00060; gnomAD exomes 0.00115 and 0.00222; ExAC 0.00195; gnomAD 0.00195 and 0.00205.
gnomAD v4.1: 1,964 of 1,614,122 alleles (0.12%); highest among the groups gnomAD compares: Non-Finnish European, 0.08%; 9 homozygotes.

Submissions (5):

Labcorp Genetics (formerly Invitae), Labcorp
Classification: Benign for Beta-D-mannosidosis. Last evaluated: 2026-01-25. Review status: criteria provided, single submitter. Criteria: Invitae Variant Classification Sherloc (09022015). Collection method: clinical testing. Allele origin: germline.

Blueprint Genetics
Classification: Likely benign. Last evaluated: 2024-11-05. Review status: criteria provided, single submitter. Criteria: ACMG Guidelines, 2015. Collection method: clinical testing. Allele origin: germline.

CeGaT Center for Human Genetics Tuebingen
Classification: Benign. Last evaluated: 2023-04-01. Review status: criteria provided, single submitter. Criteria: CeGaT Center For Human Genetics Tuebingen Variant Classification Criteria Version 2. Collection method: clinical testing. Allele origin: germline. Affected: yes. Observed: 1 variant allele.
Comment: MANBA: BP4, BS1, BS2

Illumina Laboratory Services, Illumina
Classification: Uncertain significance for Beta-D-mannosidosis. Last evaluated: 2018-01-12. Review status: criteria provided, single submitter. Criteria: ICSL Variant Classification Criteria 13 December 2019. Collection method: clinical testing. Allele origin: germline.

PreventionGenetics, part of Exact Sciences
Classification: Benign for MANBA-related condition. Last evaluated: 2020-08-10. Review status: no assertion criteria provided. Collection method: clinical testing. Allele origin: germline. Not counted in ClinVar's aggregate classification.
Comment: This variant is classified as benign based on ACMG/AMP sequence variant interpretation guidelines (Richards et al. 2015 PMID: 25741868, with internal and published modifications).